The following is an entry in ClinVar:

NM_001197104.2(KMT2A):c.1741C>T (p.His581Tyr)

Gene: KMT2A (lysine methyltransferase 2A; plus strand). Cytogenetic location: 11q23.3.
Variant type: single nucleotide variant.
Coding change: c.1741C>T on transcript NM_001197104.2 (MANE Select); coding-DNA position 1741, C replaced by T.
Protein change: p.His581Tyr; replaces histidine 581 with tyrosine.
Molecular consequence: missense variant.
Genome position (GRCh38, 1-based): chr11:118,472,900, C>T. VCF-style: chr11-118472900-C-T. GRCh37 (hg19) VCF-style: chr11-118343615-C-T.
Other names: c.1840C>T, p.His614Tyr (NM_001412597.1); c.1741C>T, p.His581Tyr (NM_005933.4); short protein forms H614Y, H581Y.
Identifiers: ClinVar variation 2126934 (VCV002126934.4), dbSNP rs1555036160, ClinGen allele CA382810871.

ClinVar aggregate classification (germline): Uncertain significance (1 of 4 stars; one submission).

gnomAD v4.1: 5 of 1,613,966 alleles (0.00031%); highest among the groups gnomAD compares: Non-Finnish European, 0.00042%; no homozygotes.

Submission:

Labcorp Genetics (formerly Invitae), Labcorp
Classification: Uncertain significance. Last evaluated: 2022-04-16. Review status: criteria provided, single submitter. Criteria: Invitae Variant Classification Sherloc (09022015). Collection method: clinical testing. Allele origin: germline.
Comment: This sequence change replaces histidine, which is basic and polar, with tyrosine, which is neutral and polar, at codon 581 of the KMT2A protein (p.His581Tyr). This variant is not present in population databases (gnomAD no frequency). This variant has not been reported in the literature in individuals affected with KMT2A-related conditions. Advanced modeling of protein sequence and biophysical properties (such as structural, functional, and spatial information, amino acid conservation, physicochemical variation, residue mobility, and thermodynamic stability) performed at Invitae indicates that this missense variant is expected to disrupt KMT2A protein function. In summary, the available evidence is currently insufficient to determine the role of this variant in disease. Therefore, it has been classified as a Variant of Uncertain Significance.